The following is an entry in ClinVar:

NM_006204.4(PDE6C):c.991A>G (p.Ile331Val)

Gene: PDE6C (phosphodiesterase 6C; plus strand). Cytogenetic location: 10q23.33.
Variant type: single nucleotide variant.
Coding change: c.991A>G on transcript NM_006204.4 (MANE Select); coding-DNA position 991, A replaced by G.
Protein change: p.Ile331Val; replaces isoleucine 331 with valine.
Molecular consequence: missense variant.
Genome position (GRCh38, 1-based): chr10:93,626,691, A>G. VCF-style: chr10-93626691-A-G. GRCh37 (hg19) VCF-style: chr10-95386448-A-G.
Other names: c.991A>G (NM_006204.3); short protein forms I331V.
Identifiers: ClinVar variation 198191 (VCV000198191.12), dbSNP rs369628525, ClinGen allele CA246713.
Genomic context (GRCh38, chr10:93,626,691, plus strand): 5'-CTTTCTTAGGAAGTCAACTTTTATAAAATCATTGATTACATTTTACATGGAAAAGAAGAG[A>G]TCAAAGTGATTCCGTGAGTATTGGCAGGAAGTTGCTGCCGCAGTTGCCGTTGTATTTTTG-3'
Protein context (NP_006195.3, residues 321-341): IDYILHGKEE[Ile331Val]KVIPTPPADH

ClinVar aggregate classification (germline): Uncertain significance. Review status: criteria provided, multiple submitters, no conflicts (2 of 4 stars). 4 submissions from 4 submitters: Uncertain significance (4). Last evaluated 2025-08-11.

Conditions:
Inborn genetic diseases. Identifiers: MedGen C0950123, MeSH D030342.

Allele frequency attached by ClinVar (database versions not stated): gnomAD exomes 0.00004 and 0.00008; TOPMed 0.00005; ESP Exome Variant Server 0.00008; ExAC 0.00009; gnomAD 0.00009 and 0.00010.
gnomAD v4.1: 126 of 1,605,988 alleles (0.0078%); highest among the groups gnomAD compares: African/African-American, 0.011%; no homozygotes.

Submissions (4):

Ambry Genetics
Classification: Uncertain significance for Inborn genetic diseases. Last evaluated: 2025-08-11. Review status: criteria provided, single submitter. Criteria: Ambry Variant Classification Scheme 2023. Collection method: clinical testing. Allele origin: germline.

Labcorp Genetics (formerly Invitae), Labcorp
Classification: Uncertain significance. Last evaluated: 2022-08-22. Review status: criteria provided, single submitter. Criteria: Invitae Variant Classification Sherloc (09022015). Collection method: clinical testing. Allele origin: germline.
Comment: This sequence change replaces isoleucine, which is neutral and non-polar, with valine, which is neutral and non-polar, at codon 331 of the PDE6C protein (p.Ile331Val). This variant is present in population databases (rs369628525, gnomAD 0.02%). This variant has not been reported in the literature in individuals affected with PDE6C-related conditions. ClinVar contains an entry for this variant (Variation ID: 198191). Algorithms developed to predict the effect of missense changes on protein structure and function are either unavailable or do not agree on the potential impact of this missense change (SIFT: "Deleterious"; PolyPhen-2: "Benign"; Align-GVGD: "Class C0"). In summary, the available evidence is currently insufficient to determine the role of this variant in disease. Therefore, it has been classified as a Variant of Uncertain Significance.

Blueprint Genetics
Classification: Uncertain significance. Last evaluated: 2020-06-05. Review status: criteria provided, single submitter. Criteria: ACMG Guidelines, 2015. Collection method: clinical testing. Allele origin: germline.

Eurofins Ntd Llc (ga)
Classification: Uncertain significance. Last evaluated: 2015-01-23. Review status: criteria provided, single submitter. Criteria: EGL Classification Definitions 2015. Collection method: clinical testing. Allele origin: germline. Observed: 1 variant allele, 1 heterozygote.